The following is an entry in ClinVar:

NM_001379029.1(CERT1):c.-215T>G

Genes: CERT1 (ceramide transporter 1; minus strand), POLK (DNA polymerase kappa; plus strand). Cytogenetic location: 5q13.3.
Variant type: single nucleotide variant.
Coding change: c.-215T>G on transcript NM_001379029.1 (MANE Select); 215 bases upstream of the start codon, T replaced by G.
Molecular consequence: 5 prime UTR variant. On other transcripts: missense variant (1).
Genome position (GRCh38, 1-based): chr5:75,511,422, A>C on the plus strand (T>G on the coding strand, the complement: CERT1 is on the minus strand). VCF-style: chr5-75511422-A-C. GRCh37 (hg19) VCF-style: chr5-74807247-A-C.
Other names: c.170T>G, p.Leu57Arg (NM_001130105.1); c.-215T>G (NM_001379002.1, NM_001379003.1, NM_001379004.1 and 2 more transcripts); short protein forms L57R.
Identifiers: ClinVar variation 4976060 (VCV004976060.1).
Genomic context (GRCh38, chr5:75,511,422, plus strand): 5'-CCGCGCCGCCGCCGCGCCTGACACCGAGCGGAGCGAGGAAGGAGGACGAGCGGTGAAGGA[A>C]GCCTACCCTTCCAGCCGTCAGCCGCCGCCGCCGTCGCCGTGACCCCTGCGTTGCGCCCGG-3'

ClinVar aggregate classification (germline): Uncertain significance (1 of 4 stars; one submission).

Submission:

GeneDx
Classification: Uncertain significance. Last evaluated: 2026-02-07. Review status: criteria provided, single submitter. Criteria: GeneDx Variant Classification Process June 2021. Collection method: clinical testing. Allele origin: germline.
Comment: Not observed at significant frequency in large population cohorts (gnomAD); In silico analysis suggests that this missense variant does not alter protein structure/function; Has not been previously published as pathogenic or benign to our knowledge